The following is an entry in ClinVar:

NM_003072.5(SMARCA4):c.1812+3G>A

Gene: SMARCA4 (SWI/SNF related BAF chromatin remodeling complex subunit ATPase 4; plus strand). Cytogenetic location: 19p13.2.
Variant type: single nucleotide variant.
Coding change: c.1812+3G>A on transcript NM_003072.5 (MANE Select); 3 bases into the intron after coding-DNA position 1812, G replaced by A.
Molecular consequence: intron variant.
Genome position (GRCh38, 1-based): chr19:10,996,547, G>A. VCF-style: chr19-10996547-G-A. GRCh37 (hg19) VCF-style: chr19-11107223-G-A.
Other names: c.1812+3G>A (NM_001128844.3, NM_001128849.3, NM_001128847.4 and 5 more transcripts).
Identifiers: ClinVar variation 408700 (VCV000408700.21), dbSNP rs371562008, ClinGen allele CA9203898.
Genomic context (GRCh38, chr19:10,996,547, plus strand): 5'-TTTCCAGAAGGCAGAAAATGCAGAAGGACAGACGCCTGCCATTGGGCCGGATGGCGAGGT[G>A]AGGAAGCAGGGTTTCTTGTGGAAGTATCAAGCTAGCCCTAAGGCGTTGGTCTGTTTCAGA-3'

ClinVar aggregate classification (germline): Conflicting classifications of pathogenicity. Review status: criteria provided, conflicting classifications (1 of 4 stars). 5 submissions from 5 submitters: Uncertain significance (2); Likely benign (3). Last evaluated 2026-07-07.

Conditions:
Hereditary cancer-predisposing syndrome. Also called: Hereditary Cancer Syndrome; Hereditary neoplastic syndrome; Neoplastic Syndromes, Hereditary; Tumor predisposition. Identifiers: Orphanet 140162, MedGen C0027672, MeSH D009386, MONDO:0015356.
Rhabdoid tumor predisposition syndrome 2 (RTPS2). Identifiers: Orphanet 231108, Orphanet 69077, MedGen C2750074, MONDO:0013224, OMIM 613325.
Intellectual disability, autosomal dominant 16 (CSS4). Also called: COFFIN-SIRIS SYNDROME 4. Identifiers: Orphanet 1465, MedGen C3553249, MONDO:0013821, OMIM 614609.

Allele frequency attached by ClinVar (database versions not stated): gnomAD exomes 0.00001 and 0.00003; gnomAD 0.00008 and 0.00009; ExAC 0.00005; TOPMed 0.00006; ESP Exome Variant Server 0.00008.
gnomAD v4.1: 32 of 1,613,932 alleles (0.002%); highest among the groups gnomAD compares: African/African-American, 0.031%; no homozygotes.

Submissions (5):

Myriad Genetics, Inc.
Classification: Likely benign for Rhabdoid tumor predisposition syndrome 2. Last evaluated: 2026-07-07. Review status: criteria provided, single submitter. Criteria: Myriad Autosomal Dominant, Autosomal Recessive and X-Linked Classification Criteria (2023). Collection method: clinical testing. Allele origin: unknown.
Comment: This variant is considered likely benign. This variant is intronic and is not expected to impact mRNA splicing.

Labcorp Genetics (formerly Invitae), Labcorp
Classification: Likely benign for Rhabdoid tumor predisposition syndrome 2. Last evaluated: 2024-12-16. Review status: criteria provided, single submitter. Criteria: Invitae Variant Classification Sherloc (09022015). Collection method: clinical testing. Allele origin: germline.

Ambry Genetics
Classification: Likely benign for Hereditary cancer-predisposing syndrome. Last evaluated: 2022-12-01. Review status: criteria provided, single submitter. Criteria: Ambry Variant Classification Scheme 2023. Collection method: clinical testing. Allele origin: germline.

St. Jude Molecular Pathology, St. Jude Children's Research Hospital
Classification: Uncertain significance for Rhabdoid tumor predisposition syndrome 2. Last evaluated: 2021-10-06. Review status: criteria provided, single submitter. Criteria: St. Jude Assertion Criteria 2020. Collection method: clinical testing. Allele origin: germline.
Comment: The SMARCA4 c.1812+3G>A intronic change results from a G to A substitution at the +3 position of intron 11 of the SMARCA4 gene. Algorithms that predict the impact of sequence changes on splicing indicate that this variant does not affect splicing (BP4), but to our knowledge these predictions have not been confirmed by RNA studies. This variant has a maximum subpopulation frequency of 0.024% in gnomAD v2.1.1. To our knowledge, this variant has not been reported in individuals with rhabdoid tumor predisposition syndrome. In summary, this variant meets criteria to be classified as of uncertain significance based on the ACMG/AMP criteria: BP4.

Genome-Nilou Lab
Classification: Uncertain significance for Intellectual disability, autosomal dominant 16. Last evaluated: 2021-07-15. Review status: criteria provided, single submitter. Criteria: ACMG Guidelines, 2015. Collection method: clinical testing. Allele origin: germline. Affected: no.